The following is an entry in ClinVar:

ClinVar aggregate classification (germline): Conflicting classifications of pathogenicity. Review status: criteria provided, conflicting classifications (1 of 4 stars). 5 submissions from 5 submitters: Uncertain significance (1); Likely benign (4). Last evaluated 2026-02-01.

Conditions:
Autosomal recessive limb-girdle muscular dystrophy type 2Q (LGMDR17). Also called: MUSCULAR DYSTROPHY, LIMB-GIRDLE, AUTOSOMAL RECESSIVE 17. Identifiers: Orphanet 254361, MedGen C3150989, MONDO:0013390, OMIM 613723.
Epidermolysis bullosa simplex 5C, with pyloric atresia (EBS5C). Also called: PLEC-Related Epidermolysis Bullosa with Pyloric Atresia; Epidermolysis bullosa simplex with pyloric atresia; PLEC1-Related Epidermolysis Bullosa with Pyloric Atresia. Identifiers: Orphanet 158684, MedGen C2677349, MONDO:0012807, OMIM 612138.
Epidermolysis bullosa simplex, Ogna type (EBS5A). Also called: Pidermolysis bullosa simplex 5A, Ogna type; EPIDERMOLYSIS BULLOSA SIMPLEX 5A, OGNA TYPE. Identifiers: Orphanet 79401, MedGen C0432317, MONDO:0007555, OMIM 131950.
Epidermolysis bullosa simplex 5B, with muscular dystrophy (EBS5B). Also called: EPIDERMOLYSIS BULLOSA SIMPLEX AND LIMB-GIRDLE MUSCULAR DYSTROPHY; Epidermolysis bullosa simplex with muscular dystrophy. Identifiers: Orphanet 257, MedGen C2931072, MONDO:0009181, OMIM 226670.
Epidermolysis bullosa simplex with nail dystrophy (EBS5D). Identifiers: MedGen C4225309, MONDO:0014661, OMIM 616487.

Allele frequency attached by ClinVar (database versions not stated): ExAC 0.00009; TOPMed 0.00046; gnomAD 0.00048 and 0.00051.
gnomAD v4.1: 1,618 of 1,538,840 alleles (0.11%); highest among the groups gnomAD compares: Non-Finnish European, 0.13%; 2 homozygotes.

Submissions (5):

Labcorp Genetics (formerly Invitae), Labcorp
Classification: Likely benign for Autosomal recessive limb-girdle muscular dystrophy type 2Q; Epidermolysis bullosa simplex, Ogna type; Epidermolysis bullosa simplex with nail dystrophy; Epidermolysis bullosa simplex 5C, with pyloric atresia; Epidermolysis bullosa simplex 5B, with muscular dystrophy. Last evaluated: 2026-02-01. Review status: criteria provided, single submitter. Criteria: Invitae Variant Classification Sherloc (09022015). Collection method: clinical testing. Allele origin: germline.

Women's Health and Genetics/Laboratory Corporation of America, LabCorp
Classification: Likely benign. Last evaluated: 2025-07-30. Review status: criteria provided, single submitter. Criteria: LabCorp Variant Classification Summary - May 2015. Collection method: clinical testing. Allele origin: germline.

Blueprint Genetics
Classification: Likely benign. Last evaluated: 2024-11-07. Review status: criteria provided, single submitter. Criteria: ACMG Guidelines, 2015. Collection method: clinical testing. Allele origin: germline.

Eurofins Ntd Llc (ga)
Classification: Uncertain significance. Last evaluated: 2018-07-03. Review status: criteria provided, single submitter. Criteria: EGL ClinVar v180209 classification definitions. Collection method: clinical testing. Allele origin: germline. Observed: 5 variant alleles, 5 heterozygotes.

GeneDx
Classification: Likely benign. Last evaluated: 2018-05-10. Review status: criteria provided, single submitter. Criteria: GeneDx Variant Classification (06012015). Collection method: clinical testing. Allele origin: germline. Affected: yes.
Comment: This variant is considered likely benign or benign based on one or more of the following criteria: it is a conservative change, it occurs at a poorly conserved position in the protein, it is predicted to be benign by multiple in silico algorithms, and/or has population frequency not consistent with disease.

NM_201384.3(PLEC):c.13641C>G (p.Ala4547=)

Gene: PLEC (plectin; minus strand). Cytogenetic location: 8q24.3.
Variant type: single nucleotide variant.
Coding change: c.13641C>G on transcript NM_201384.3 (MANE Select); coding-DNA position 13641, C replaced by G.
Protein change: p.Ala4547=; no amino-acid change (alanine 4547 retained).
Molecular consequence: synonymous variant.
Genome position (GRCh38, 1-based): chr8:143,916,180, G>C on the plus strand (C>G on the coding strand, the complement: PLEC is on the minus strand). VCF-style: chr8-143916180-G-C. GRCh37 (hg19) VCF-style: chr8-144990348-G-C.
Other names: c.13722C>G, p.Ala4574= (NM_000445.5); c.13599C>G, p.Ala4533= (NM_201378.4); c.13575C>G, p.Ala4525= (NM_201379.3); c.14052C>G, p.Ala4684= (NM_201380.4); c.13545C>G, p.Ala4515= (NM_201381.3); c.13641C>G, p.Ala4547= (NM_201382.4); c.13653C>G, p.Ala4551= (NM_201383.3).
Identifiers: ClinVar variation 471544 (VCV000471544.18), dbSNP rs782535880, ClinGen allele CA4923740.
Genomic context (GRCh38, chr8:143,916,180, plus strand): 5'-GCGCCTCGGTGGGAGCCGGGCTGGGCCGCATGCAGAGCGGGGTGGGCGCAGGCAGCCTCA[G>C]GCCACGGCAGACTCAGGGCCCCCCAGGGAGGCCGAGGACCCCGAGGCGTAGCGGCGGCCG-3'
Protein context (NP_958786.1, residues 4537-4547): ASLGGPESAV[Ala4547=]